The following is an entry in ClinVar:

NM_001160372.4(TRAPPC9):c.274_280del (p.Trp92fs)

Gene: TRAPPC9 (trafficking protein particle complex subunit 9; minus strand). Cytogenetic location: 8q24.3.
Variant type: Deletion.
Coding change: c.274_280del on transcript NM_001160372.4 (MANE Select); coding-DNA positions 274 to 280, 7 bases deleted (TGGCCAC; older notation c.274_280delTGGCCAC).
Protein change: p.Trp92fs; shifts the reading frame from tryptophan 92.
Molecular consequence: frameshift variant. On other transcripts: non-coding transcript variant (1).
Genome position (GRCh38, 1-based): chr8:140,451,094-140,451,100, GTGGCCA deleted on the plus strand (TGGCCAC on the coding strand, the reverse complement: TRAPPC9 is on the minus strand); deleting any 7 consecutive bases within chr8:140,451,094-140,451,102 gives the same sequence; the c. name uses the placement nearest the transcript's 3' end. VCF-style (leftmost placement, unchanged base first): chr8-140451093-TGTGGCCA-T. GRCh37 (hg19) VCF-style: chr8-141461192-TGTGGCCA-T.
Other names: c.274_280del, p.Trp92fs (NM_001321646.2, NM_001374682.1, NM_001374683.1 and 2 more transcripts); c.568_574del7 (NM_031466.7); short protein forms W92fs.
Identifiers: ClinVar variation 432996 (VCV000432996.3), dbSNP rs1554689964, ClinGen allele CA645372863.

ClinVar aggregate classification (germline): Pathogenic/Likely pathogenic. Review status: criteria provided, multiple submitters, no conflicts (2 of 4 stars). 2 submissions from 2 submitters: Pathogenic (1); Likely pathogenic (1). Last evaluated 2022-12-03.

Conditions:
TRAPPC9-related disorder. Also called: TRAPPC9-related condition.

Submissions (2):

PreventionGenetics, part of Exact Sciences
Classification: Pathogenic for TRAPPC9-related condition. Last evaluated: 2022-12-03. Review status: criteria provided, single submitter. Criteria: ACMG Guidelines, 2015. Collection method: clinical testing. Allele origin: germline.
Comment: The TRAPPC9 c.568_574del7 variant is predicted to result in a frameshift and premature protein termination (p.Trp190Argfs*95). This variant has been reported in the homozygous or compound heterozygous states in individuals with intellectual disability (Mortreux et al. 2018. PubMed ID: 29187737; Wilton et al. 2020. PubMed ID: 32162493). This variant has not been reported in a large population database, indicating this variant is rare. Frameshift variants in TRAPPC9 are expected to be pathogenic. This variant is interpreted as pathogenic.

GeneDx
Classification: Likely pathogenic. Last evaluated: 2017-06-26. Review status: criteria provided, single submitter. Criteria: GeneDx Variant Classification (06012015). Collection method: clinical testing. Allele origin: germline. Affected: yes.
Comment: The c.568_574delTGGCCAC variant in the TRAPPC9 gene has not been reported previously as a pathogenic variant nor as a benign variant, to our knowledge. The c.568_574delTGGCCAC variant causes a frameshift starting with codon Tryptophan 190, changes this amino acid to an Arginine residue, and creates a premature Stop codon at position 95 of the new reading frame, denoted p.Trp190ArgfsX95. This variant is predicted to cause loss of normal protein function either through protein truncation or nonsense-mediated mRNA decay. The c.568_574delTGGCCAC variant is not observed in large population cohorts (Lek et al., 2016; 1000 Genomes Consortium et al., 2015; Exome Variant Server). We interpret c.568_574delTGGCCAC as a likely pathogenic variant.